The following is an entry in ClinVar:

ClinVar aggregate classification (germline): Uncertain significance. Review status: criteria provided, multiple submitters, no conflicts (2 of 4 stars). 2 submissions from 2 submitters: Uncertain significance (2). Last evaluated 2026-07-02.

Conditions:
BBS10-related disorder. Also called: BBS10-related condition.
Bardet-Biedl syndrome (BBS). Identifiers: Orphanet 110, MedGen C0752166, MONDO:0015229.

gnomAD v4.1: 5 of 1,613,964 alleles (0.00031%); highest among the groups gnomAD compares: Non-Finnish European, 0.00025%; no homozygotes.

Submissions (2):

PreventionGenetics, part of Exact Sciences
Classification: Uncertain significance for BBS10-related condition. Last evaluated: 2026-07-02. Review status: criteria provided, single submitter. Criteria: ACMG Guidelines, 2015. Collection method: clinical testing. Allele origin: germline.
Comment: The BBS10 c.1634C>G variant is predicted to result in the amino acid substitution p.Ser545Cys. To our knowledge, this variant has not been reported in the literature. This variant is reported in 0.00088% of alleles in individuals of European (Non-Finnish) descent in gnomAD. At this time, the clinical significance of this variant is uncertain due to the absence of conclusive functional and genetic evidence.

Labcorp Genetics (formerly Invitae), Labcorp
Classification: Uncertain significance for Bardet-Biedl syndrome. Last evaluated: 2021-12-22. Review status: criteria provided, single submitter. Criteria: Invitae Variant Classification Sherloc (09022015). Collection method: clinical testing. Allele origin: germline.
Comment: This sequence change replaces serine, which is neutral and polar, with cysteine, which is neutral and slightly polar, at codon 545 of the BBS10 protein (p.Ser545Cys). This variant is present in population databases (no rsID available, gnomAD 0.0009%). This variant has not been reported in the literature in individuals affected with BBS10-related conditions. Algorithms developed to predict the effect of missense changes on protein structure and function output the following: SIFT: "Deleterious"; PolyPhen-2: "Possibly Damaging"; Align-GVGD: "Class C0". The cysteine amino acid residue is found in multiple mammalian species, which suggests that this missense change does not adversely affect protein function. In summary, the available evidence is currently insufficient to determine the role of this variant in disease. Therefore, it has been classified as a Variant of Uncertain Significance.

NM_024685.4(BBS10):c.1634C>G (p.Ser545Cys)

Gene: BBS10 (Bardet-Biedl syndrome 10; minus strand). Cytogenetic location: 12q21.2.
Variant type: single nucleotide variant.
Coding change: c.1634C>G on transcript NM_024685.4 (MANE Select); coding-DNA position 1634, C replaced by G.
Protein change: p.Ser545Cys; replaces serine 545 with cysteine.
Molecular consequence: missense variant.
Genome position (GRCh38, 1-based): chr12:76,346,351, G>C on the plus strand (C>G on the coding strand, the complement: BBS10 is on the minus strand). VCF-style: chr12-76346351-G-C. GRCh37 (hg19) VCF-style: chr12-76740131-G-C.
Other names: c.1634C>G (NM_024685.3); short protein forms S545C.
Identifiers: ClinVar variation 1983767 (VCV001983767.2), dbSNP rs1221945074, ClinGen allele CA385810719.